The following is an entry in ClinVar:

ClinVar aggregate classification (germline): Uncertain significance (1 of 4 stars; one submission).

gnomAD v4.1: 1 of 1,614,064 alleles (0.000062%); highest among the groups gnomAD compares: Non-Finnish European, 0.000085%; no homozygotes.

Submission:

Labcorp Genetics (formerly Invitae), Labcorp
Classification: Uncertain significance. Last evaluated: 2025-06-01. Review status: criteria provided, single submitter. Criteria: Invitae Variant Classification Sherloc (09022015). Collection method: clinical testing. Allele origin: germline.
Comment: This sequence change replaces proline, which is neutral and non-polar, with serine, which is neutral and polar, at codon 380 of the FOXP1 protein (p.Pro380Ser). This variant is not present in population databases (gnomAD no frequency). This variant has not been reported in the literature in individuals affected with FOXP1-related conditions. Invitae Evidence Modeling of protein sequence and biophysical properties (such as structural, functional, and spatial information, amino acid conservation, physicochemical variation, residue mobility, and thermodynamic stability) indicates that this missense variant is not expected to disrupt FOXP1 protein function with a negative predictive value of 80%. In summary, the available evidence is currently insufficient to determine the role of this variant in disease. Therefore, it has been classified as a Variant of Uncertain Significance.

NM_001349338.3(FOXP1):c.1138C>T (p.Pro380Ser)

Gene: FOXP1 (forkhead box P1; minus strand). Cytogenetic location: 3p13.
Variant type: single nucleotide variant.
Coding change: c.1138C>T on transcript NM_001349338.3 (MANE Select); coding-DNA position 1138, C replaced by T.
Protein change: p.Pro380Ser; replaces proline 380 with serine.
Molecular consequence: missense variant. On other transcripts: non-coding transcript variant (2).
Genome position (GRCh38, 1-based): chr3:70,988,002, G>A on the plus strand (C>T on the coding strand, the complement: FOXP1 is on the minus strand). VCF-style: chr3-70988002-G-A. GRCh37 (hg19) VCF-style: chr3-71037153-G-A.
Other names: c.1138C>T, p.Pro380Ser (NM_001244808.3, NM_001244810.2, NM_001244814.3 and 3 more transcripts); c.910C>T, p.Pro304Ser (NM_001244812.3); c.838C>T, p.Pro280Ser (NM_001244813.3, NM_001244815.2, NM_001349342.3 and 1 more transcripts); c.835C>T, p.Pro279Ser (NM_001349337.2, NM_001349343.3, NM_001349344.3); c.1135C>T, p.Pro379Ser (NM_001349341.3); short protein forms P280S, P279S, P304S, P379S, P380S.
Identifiers: ClinVar variation 4766204 (VCV004766204.1).